The following is an entry in ClinVar:

NM_153460.4(IL17RC):c.757A>C (p.Asn253His)

Gene: IL17RC (interleukin 17 receptor C; plus strand). Cytogenetic location: 3p25.3.
Variant type: single nucleotide variant.
Coding change: c.757A>C on transcript NM_153460.4 (MANE Select); coding-DNA position 757, A replaced by C.
Protein change: p.Asn253His; replaces asparagine 253 with histidine.
Molecular consequence: missense variant. On other transcripts: non-coding transcript variant (1), intron variant (1).
Genome position (GRCh38, 1-based): chr3:9,924,015, A>C. VCF-style: chr3-9924015-A-C. GRCh37 (hg19) VCF-style: chr3-9965699-A-C.
Other names: c.757A>C, p.Asn253His (NM_001203263.2, NM_001203264.2); c.712A>C, p.Asn238His (NM_001203265.2, NM_001367280.1, NM_001410711.1 and 1 more transcripts); c.970A>C (NM_153461.3); c.637A>C, p.Asn213His (NM_001367279.1); c.970A>C, p.Asn324His (NM_153461.4); c.723+34A>C (NM_001367278.1); short protein forms N238H, N253H, N324H, N213H.
Identifiers: ClinVar variation 2788993 (VCV002788993.4), dbSNP rs768507483, ClinGen allele CA2246948.
Genomic context (GRCh38, chr3:9,924,015, plus strand): 5'-TTCGGCCTCTCCCTGTACTGGAATCAGGTCCAGGGCCCCCCAAAACCCCGGTGGCACAAA[A>C]ACCTGGTGAGGCCTCCCCCTTCCCAAGTCCATTCCCACTGTAGGCCGATGCCTGTGCAAA-3'
Protein context (NP_703190.2, residues 243-263): QGPPKPRWHK[Asn253His]LTGPQIITLN

ClinVar aggregate classification (germline): Uncertain significance. Review status: criteria provided, multiple submitters, no conflicts (2 of 4 stars). 2 submissions from 2 submitters: Uncertain significance (2). Last evaluated 2024-04-23.

Conditions:
Candidiasis, familial, 9 (CANDF9). Identifiers: Orphanet 1334, MedGen C4225324, MONDO:0014642, OMIM 616445.

Allele frequency attached by ClinVar (database versions not stated): gnomAD exomes below 0.00001; ExAC 0.00001.
gnomAD v4.1: 1 of 1,613,658 alleles (0.000062%); highest among the groups gnomAD compares: Admixed American, 0.0017%; no homozygotes.

Submissions (2):

Ambry Genetics
Classification: Uncertain significance. Last evaluated: 2024-04-23. Review status: criteria provided, single submitter. Criteria: Ambry Variant Classification Scheme 2023. Collection method: clinical testing. Allele origin: germline.

Labcorp Genetics (formerly Invitae), Labcorp
Classification: Uncertain significance for Candidiasis, familial, 9. Last evaluated: 2023-02-22. Review status: criteria provided, single submitter. Criteria: Invitae Variant Classification Sherloc (09022015). Collection method: clinical testing. Allele origin: germline.
Comment: In summary, the available evidence is currently insufficient to determine the role of this variant in disease. Therefore, it has been classified as a Variant of Uncertain Significance. An algorithm developed to predict the effect of missense changes on protein structure and function (PolyPhen-2) suggests that this variant is likely to be disruptive. This variant has not been reported in the literature in individuals affected with IL17RC-related conditions. This variant is present in population databases (rs768507483, gnomAD 0.003%). This sequence change replaces asparagine, which is neutral and polar, with histidine, which is basic and polar, at codon 324 of the IL17RC protein (p.Asn324His).